The following is an entry in ClinVar:

ClinVar aggregate classification (germline): Pathogenic (1 of 4 stars; one submission).

Conditions:
Carnitine palmitoyltransferase II deficiency. Also called: Carnitine Palmitoyltransferase 2 Deficiency. Identifiers: Orphanet 157, MedGen C0342790, MONDO:0015515.

Submission:

Labcorp Genetics (formerly Invitae), Labcorp
Classification: Pathogenic for Carnitine palmitoyltransferase II deficiency. Last evaluated: 2022-08-05. Review status: criteria provided, single submitter. Criteria: Invitae Variant Classification Sherloc (09022015). Collection method: clinical testing. Allele origin: germline.
Comment: This sequence change creates a premature translational stop signal (p.Ile186Hisfs*47) in the CPT2 gene. It is expected to result in an absent or disrupted protein product. Loss-of-function variants in CPT2 are known to be pathogenic (PMID: 16781677, 16996287). This variant is not present in population databases (gnomAD no frequency). This variant has not been reported in the literature in individuals affected with CPT2-related conditions. For these reasons, this variant has been classified as Pathogenic.

Literature cited by the submitters: PubMed 16781677; PubMed 16996287.

NM_000098.3(CPT2):c.556_557del (p.Ile186fs)

Gene: CPT2 (carnitine palmitoyltransferase 2; plus strand). Cytogenetic location: 1p32.3.
Variant type: Deletion.
Coding change: c.556_557del on transcript NM_000098.3 (MANE Select); coding-DNA positions 556 to 557, 2 bases deleted (AT; older notation c.556_557delAT).
Protein change: p.Ile186fs; shifts the reading frame from isoleucine 186.
Molecular consequence: frameshift variant.
Genome position (GRCh38, 1-based): chr1:53,210,230-53,210,231, AT deleted; deleting any 2 consecutive bases within chr1:53,210,229-53,210,231 gives the same sequence; the c. name uses the placement nearest the transcript's 3' end. VCF-style (leftmost placement, unchanged base first): chr1-53210228-CTA-C. GRCh37 (hg19) VCF-style: chr1-53675900-CTA-C.
Other names: c.556_557del, p.Ile186fs (NM_001330589.2); short protein forms I186fs.
Identifiers: ClinVar variation 2021599 (VCV002021599.4), dbSNP rs2525586682, ClinGen allele CA2580063045.